The following is an entry in ClinVar:

ClinVar aggregate classification (germline): Uncertain significance (1 of 4 stars; one submission).

gnomAD v4.1: 6 of 1,613,656 alleles (0.00037%); highest among the groups gnomAD compares: Non-Finnish European, 0.00042%; no homozygotes.

Submission:

Labcorp Genetics (formerly Invitae), Labcorp
Classification: Uncertain significance. Last evaluated: 2022-08-20. Review status: criteria provided, single submitter. Criteria: Invitae Variant Classification Sherloc (09022015). Collection method: clinical testing. Allele origin: germline.
Comment: In summary, the available evidence is currently insufficient to determine the role of this variant in disease. Therefore, it has been classified as a Variant of Uncertain Significance. Variants that disrupt the consensus splice site are a relatively common cause of aberrant splicing (PMID: 17576681, 9536098). Algorithms developed to predict the effect of sequence changes on RNA splicing suggest that this variant may disrupt the consensus splice site. This variant has not been reported in the literature in individuals affected with MCM3AP-related conditions. This variant is not present in population databases (gnomAD no frequency). This sequence change falls in intron 13 of the MCM3AP gene. It does not directly change the encoded amino acid sequence of the MCM3AP protein. It affects a nucleotide within the consensus splice site.

Literature cited by the submitters: PubMed 17576681; PubMed 9536098.

NM_003906.5(MCM3AP):c.3336-3T>G

Gene: MCM3AP (minichromosome maintenance complex component 3 associated protein; minus strand). Cytogenetic location: 21q22.3.
Variant type: single nucleotide variant.
Coding change: c.3336-3T>G on transcript NM_003906.5 (MANE Select); 3 bases into the intron before coding-DNA position 3336, T replaced by G.
Molecular consequence: intron variant.
Genome position (GRCh38, 1-based): chr21:46,261,414, A>C on the plus strand (T>G on the coding strand, the complement: MCM3AP is on the minus strand). VCF-style: chr21-46261414-A-C. GRCh37 (hg19) VCF-style: chr21-47681328-A-C.
Identifiers: ClinVar variation 1950372 (VCV001950372.5), dbSNP rs764811409, ClinGen allele CA749842391.